The following is an entry in ClinVar:

NM_004820.5(CYP7B1):c.680T>C (p.Val227Ala)

Gene: CYP7B1 (cytochrome P450 family 7 subfamily B member 1; minus strand). Cytogenetic location: 8q12.3.
Variant type: single nucleotide variant.
Coding change: c.680T>C on transcript NM_004820.5 (MANE Select); coding-DNA position 680, T replaced by C.
Protein change: p.Val227Ala; replaces valine 227 with alanine.
Molecular consequence: missense variant.
Genome position (GRCh38, 1-based): chr8:64,615,861, A>G on the plus strand (T>C on the coding strand, the complement: CYP7B1 is on the minus strand). VCF-style: chr8-64615861-A-G. GRCh37 (hg19) VCF-style: chr8-65528418-A-G.
Other names: c.680T>C, p.Val227Ala (NM_001324112.2); short protein forms V227A.
Identifiers: ClinVar variation 1372315 (VCV001372315.8), dbSNP rs2129630201, ClinGen allele CA371335205.

ClinVar aggregate classification (germline): Uncertain significance (1 of 4 stars; one submission).

Conditions:
Spastic paraplegia. Identifiers: MedGen C0037772, HP:0001258.

Allele frequency attached by ClinVar (database versions not stated): gnomAD exomes 0.00001.
gnomAD v4.1: 7 of 1,613,752 alleles (0.00043%); highest among the groups gnomAD compares: Non-Finnish European, 0.00059%; no homozygotes.

Submission:

Labcorp Genetics (formerly Invitae), Labcorp
Classification: Uncertain significance for Spastic paraplegia. Last evaluated: 2021-02-15. Review status: criteria provided, single submitter. Criteria: Invitae Variant Classification Sherloc (09022015). Collection method: clinical testing. Allele origin: germline.
Comment: In summary, the available evidence is currently insufficient to determine the role of this variant in disease. Therefore, it has been classified as a Variant of Uncertain Significance. Algorithms developed to predict the effect of missense changes on protein structure and function output the following: SIFT: "Tolerated"; PolyPhen-2: "Benign"; Align-GVGD: "Class C0". The alanine amino acid residue is found in multiple mammalian species, suggesting that this missense change does not adversely affect protein function. These predictions have not been confirmed by published functional studies and their clinical significance is uncertain. This variant has not been reported in the literature in individuals with CYP7B1-related conditions. This variant is not present in population databases (ExAC no frequency). This sequence change replaces valine with alanine at codon 227 of the CYP7B1 protein (p.Val227Ala). The valine residue is moderately conserved and there is a small physicochemical difference between valine and alanine.